The following is an entry in ClinVar:

NM_001079668.3(NKX2-1):c.583C>T (p.Arg195Trp)

Genes: NKX2-1 (NK2 homeobox 1; minus strand), SFTA3 (surfactant associated 3; minus strand). Cytogenetic location: 14q13.3.
Variant type: single nucleotide variant.
Coding change: c.583C>T on transcript NM_001079668.3 (MANE Select); coding-DNA position 583, C replaced by T.
Protein change: p.Arg195Trp; replaces arginine 195 with tryptophan.
Molecular consequence: missense variant.
Genome position (GRCh38, 1-based): chr14:36,517,901, G>A on the plus strand (C>T on the coding strand, the complement: NKX2-1 is on the minus strand). VCF-style: chr14-36517901-G-A. GRCh37 (hg19) VCF-style: chr14-36987106-G-A.
Other names: c.493C>T, p.Arg165Trp (NM_003317.4); short protein forms R165W, R195W.
Identifiers: ClinVar variation 992992 (VCV000992992.2), dbSNP rs1881114341, ClinGen allele CA389459496.

ClinVar aggregate classification (germline): Likely pathogenic. Review status: criteria provided, single submitter (1 of 4 stars). 2 submissions from 2 submitters: Likely pathogenic (1). 1 of the submissions does not count toward it. Last evaluated 2023-11-02.

Conditions:
NKX2-1-Related Disorders. Also called: NKX2-1-related disorder. Identifiers: MedGen CN381057.
Brain-lung-thyroid syndrome. Also called: Choreoathetosis, congenital hypothyroidism, and neonatal respiratory distress; CHOREOATHETOSIS AND CONGENITAL HYPOTHYROIDISM WITH PULMONARY DYSFUNCTION; Choreoathetosis, Congenital Hypothyroidism, and Neonatal Respiratory Distress Syndrome (Brain-Lung-Thyroid Syndrome). Identifiers: Orphanet 209905, MedGen C1970269, MONDO:0012593, OMIM 610978.

Submissions (2):

Rady Children's Institute for Genomic Medicine, Rady Children's Hospital San Diego
Classification: Likely pathogenic for NKX2-1 related disorders. Last evaluated: 2023-11-02. Review status: criteria provided, single submitter. Criteria: ACMG Guidelines, 2015. Collection method: clinical testing. Allele origin: germline. Affected: yes.
Comment: Loss-of-function variation in NKX2-1 is an established mechanism of disease (PMID: 24555207). The c.583C>T (p.Arg195Trp) variant affects a highly conserved amino acid and is predicted by multiple in silico tools to have a deleterious effect on protein function. This variant has been previously reported as a heterozygous change in patients with brain-thyroid-lung syndrome (PMID: 20020530, 23430038). The c.583C>T (p.Arg195Trp) variant is located in the highly conserved homeodomain, which is a known hotspot domain critical for DNA binding (PMID: 20020530, 23430038). Functional studies indicate this variant may lead to increased transactivation of SFTPC in A549 cells (PMID: 20020530, 23430038). The c.583C>T (p.Arg195Trp) variant is absent from the gnomAD population database and thus is presumed to be rare. Analysis of the parental samples was negative for the variant, indicating this variant likely occurred as a de novo event. Based on the available evidence, c.583C>T (p.Arg195Trp) is classified as Likely Pathogenic.

Biochemical Molecular Genetic Laboratory, King Abdulaziz Medical City
Classification: Likely pathogenic for Brain-lung-thyroid syndrome. Last evaluated: 2020-05-06. Review status: no assertion criteria provided. Collection method: clinical testing. Allele origin: germline. Affected: yes. Not counted in ClinVar's aggregate classification.

Literature cited by the submitters: PubMed 24555207 (cited by Rady Children's Institute for Genomic Medicine, Rady Children's Hospital San Diego); 20020530 (cited by Rady Children's Institute for Genomic Medicine, Rady Children's Hospital San Diego); 23430038 (cited by Rady Children's Institute for Genomic Medicine, Rady Children's Hospital San Diego).